The following is an entry in ClinVar:

ClinVar aggregate classification (germline): Uncertain significance. Review status: criteria provided, multiple submitters, no conflicts (2 of 4 stars). 3 submissions from 3 submitters: Uncertain significance (3). Last evaluated 2025-11-11.

Conditions:
ALPK3-related disorder. Also called: ALPK3-related condition.
Cardiovascular phenotype. Identifiers: MedGen CN230736.

Allele frequency attached by ClinVar (database versions not stated): gnomAD 0.00001; gnomAD exomes 0.00001 and 0.00003; TOPMed 0.00003; ExAC 0.00010; 1000 Genomes Project 30x 0.00016; 1000 Genomes Project 0.00020.
gnomAD v4.1: 26 of 1,553,196 alleles (0.0017%); highest among the groups gnomAD compares: Middle Eastern, 0.017%; no homozygotes.

Submissions (3):

PreventionGenetics, part of Exact Sciences
Classification: Uncertain significance for ALPK3-related condition. Last evaluated: 2025-11-11. Review status: criteria provided, single submitter. Criteria: ACMG Guidelines, 2015. Collection method: clinical testing. Allele origin: germline.
Comment: The ALPK3 c.4243C>T variant is predicted to result in the amino acid substitution p.Arg1415Cys. To our knowledge, this variant has not been reported in the literature. This variant is reported in 0.023% of alleles in individuals of African descent in gnomAD. At this time, the clinical significance of this variant is uncertain due to the absence of conclusive functional and genetic evidence.

Labcorp Genetics (formerly Invitae), Labcorp
Classification: Uncertain significance. Last evaluated: 2025-08-11. Review status: criteria provided, single submitter. Criteria: Invitae Variant Classification Sherloc (09022015). Collection method: clinical testing. Allele origin: germline.
Comment: This sequence change replaces arginine, which is basic and polar, with cysteine, which is neutral and slightly polar, at codon 1415 of the ALPK3 protein (p.Arg1415Cys). This variant is present in population databases (rs140424493, gnomAD 0.03%). This variant has not been reported in the literature in individuals affected with ALPK3-related conditions. ClinVar contains an entry for this variant (Variation ID: 1473685). Invitae Evidence Modeling of protein sequence and biophysical properties (such as structural, functional, and spatial information, amino acid conservation, physicochemical variation, residue mobility, and thermodynamic stability) indicates that this missense variant is not expected to disrupt ALPK3 protein function with a negative predictive value of 80%. In summary, the available evidence is currently insufficient to determine the role of this variant in disease. Therefore, it has been classified as a Variant of Uncertain Significance.

Ambry Genetics
Classification: Uncertain significance for Cardiovascular phenotype. Last evaluated: 2024-01-10. Review status: criteria provided, single submitter. Criteria: Ambry Variant Classification Scheme 2023. Collection method: clinical testing. Allele origin: germline.
Comment: The p.R1415C variant (also known as c.4243C>T), located in coding exon 6 of the ALPK3 gene, results from a C to T substitution at nucleotide position 4243. The arginine at codon 1415 is replaced by cysteine, an amino acid with highly dissimilar properties. This amino acid position is not well conserved in available vertebrate species. In addition, the in silico prediction for this alteration is inconclusive. Since supporting evidence is limited at this time, the clinical significance of this alteration remains unclear.

NM_020778.5(ALPK3):c.3637C>T (p.Arg1213Cys)

Gene: ALPK3 (alpha kinase 3; plus strand). Cytogenetic location: 15q25.3.
Variant type: single nucleotide variant.
Coding change: c.3637C>T on transcript NM_020778.5 (MANE Select); coding-DNA position 3637, C replaced by T.
Protein change: p.Arg1213Cys; replaces arginine 1213 with cysteine.
Molecular consequence: missense variant.
Genome position (GRCh38, 1-based): chr15:84,858,375, C>T. VCF-style: chr15-84858375-C-T. GRCh37 (hg19) VCF-style: chr15-85401606-C-T.
Other names: c.4243C>T (NM_020778.4); short protein forms R1213C.
Identifiers: ClinVar variation 1473685 (VCV001473685.8), dbSNP rs140424493, ClinGen allele CA7709683.
Genomic context (GRCh38, chr15:84,858,375, plus strand): 5'-CCCCGGGGGCCCAGGAAAAGCCTGGTGCCTGGGTCCCCAGGGACTCCAGGGCGGGAGAGA[C>T]GCTCCCCTACGCAGGGCAGAAAGGCGAGCATGCTGGAGGTGCCTCGGGCAGAGGAGGAGC-3'
Protein context (NP_065829.4, residues 1203-1223): GSPGTPGRER[Arg1213Cys]SPTQGRKASM